The following is an entry in ClinVar:

NM_001211.6(BUB1B):c.1004C>G (p.Ala335Gly)

Gene: BUB1B (BUB1 mitotic checkpoint serine/threonine kinase B; plus strand). Cytogenetic location: 15q15.1.
Variant type: single nucleotide variant.
Coding change: c.1004C>G on transcript NM_001211.6 (MANE Select); coding-DNA position 1004, C replaced by G.
Protein change: p.Ala335Gly; replaces alanine 335 with glycine.
Molecular consequence: missense variant.
Genome position (GRCh38, 1-based): chr15:40,185,588, C>G. VCF-style: chr15-40185588-C-G. GRCh37 (hg19) VCF-style: chr15-40477789-C-G.
Other names: short protein forms A335G.
Identifiers: ClinVar variation 1444801 (VCV001444801.12), dbSNP rs762332962, ClinGen allele CA7475628.

ClinVar aggregate classification (germline): Uncertain significance. Review status: criteria provided, multiple submitters, no conflicts (2 of 4 stars). 2 submissions from 2 submitters: Uncertain significance (2). Last evaluated 2025-09-16.

Conditions:
Inborn genetic diseases. Identifiers: MedGen C0950123, MeSH D030342.
Mosaic variegated aneuploidy syndrome 1 (MVA1). Also called: Warburton-Anyane-Yeboa syndrome. Identifiers: Orphanet 1052, MedGen C1850343, MONDO:0009759, OMIM 257300.

Allele frequency attached by ClinVar (database versions not stated): gnomAD exomes below 0.00001 and 0.00001; ExAC 0.00001.
gnomAD v4.1: 4 of 1,614,212 alleles (0.00025%); highest among the groups gnomAD compares: Non-Finnish European, 0.00034%; no homozygotes.

Submissions (2):

Ambry Genetics
Classification: Uncertain significance for Inborn genetic diseases. Last evaluated: 2025-09-16. Review status: criteria provided, single submitter. Criteria: Ambry Variant Classification Scheme 2023. Collection method: clinical testing. Allele origin: germline.
Comment: The p.A335G variant (also known as c.1004C>G), located in coding exon 8 of the BUB1B gene, results from a C to G substitution at nucleotide position 1004. The alanine at codon 335 is replaced by glycine, an amino acid with similar properties. This amino acid position is conserved. In addition, this alteration is predicted to be tolerated by in silico analysis. Since supporting evidence is limited at this time, the clinical significance of this alteration remains unclear.

Labcorp Genetics (formerly Invitae), Labcorp
Classification: Uncertain significance for Mosaic variegated aneuploidy syndrome 1. Last evaluated: 2021-06-10. Review status: criteria provided, single submitter. Criteria: Invitae Variant Classification Sherloc (09022015). Collection method: clinical testing. Allele origin: germline.
Comment: This variant has not been reported in the literature in individuals with BUB1B-related conditions. In summary, the available evidence is currently insufficient to determine the role of this variant in disease. Therefore, it has been classified as a Variant of Uncertain Significance. Algorithms developed to predict the effect of sequence changes on RNA splicing suggest that this variant may create or strengthen a splice site, but this prediction has not been confirmed by published transcriptional studies. Algorithms developed to predict the effect of missense changes on protein structure and function (SIFT, PolyPhen-2, Align-GVGD) all suggest that this variant is likely to be tolerated, but these predictions have not been confirmed by published functional studies and their clinical significance is uncertain. This variant is present in population databases (rs762332962, ExAC 0.001%). This sequence change replaces alanine with glycine at codon 335 of the BUB1B protein (p.Ala335Gly). The alanine residue is weakly conserved and there is a small physicochemical difference between alanine and glycine.